The following is an entry in ClinVar:

ClinVar aggregate classification (germline): Uncertain significance. Review status: criteria provided, multiple submitters, no conflicts (2 of 4 stars). 2 submissions from 2 submitters: Uncertain significance (2). Last evaluated 2021-04-20.

Conditions:
ABCA4-related disorder. Also called: ABCA4-related disorders; ABCA4-related condition. Identifiers: MedGen CN239167.

Allele frequency attached by ClinVar (database versions not stated): gnomAD exomes below 0.00001.
gnomAD v4.1: 1 of 1,614,076 alleles (0.000062%); highest among the groups gnomAD compares: Non-Finnish European, 0.000085%; no homozygotes.

Submissions (2):

Labcorp Genetics (formerly Invitae), Labcorp
Classification: Uncertain significance. Last evaluated: 2021-04-20. Review status: criteria provided, single submitter. Criteria: Invitae Variant Classification Sherloc (09022015). Collection method: clinical testing. Allele origin: germline.
Comment: This sequence change falls in intron 38 of the ABCA4 gene. It does not directly change the encoded amino acid sequence of the ABCA4 protein. It affects a nucleotide within the consensus splice site of the intron. This variant is not present in population databases (ExAC no frequency). This variant has not been reported in the literature in individuals with ABCA4-related conditions. ClinVar contains an entry for this variant (Variation ID: 298227). Nucleotide substitutions within the consensus splice site are a relatively common cause of aberrant splicing (PMID: 17576681, 9536098). Algorithms developed to predict the effect of sequence changes on RNA splicing suggest that this variant is not likely to affect RNA splicing, but this prediction has not been confirmed by published transcriptional studies. In summary, the available evidence is currently insufficient to determine the role of this variant in disease. Therefore, it has been classified as a Variant of Uncertain Significance.

Illumina Laboratory Services, Illumina
Classification: Uncertain significance for ABCA4-Related Disorders. Last evaluated: 2018-01-12. Review status: criteria provided, single submitter. Criteria: ICSL Variant Classification Criteria 13 December 2019. Collection method: clinical testing. Allele origin: germline.

Literature cited by the submitters: PubMed 17576681 (cited by Labcorp Genetics (formerly Invitae), Labcorp); PubMed 9536098 (cited by Labcorp Genetics (formerly Invitae), Labcorp).

NM_000350.3(ABCA4):c.5460+6C>T

Gene: ABCA4 (ATP binding cassette subfamily A member 4; minus strand). Cytogenetic location: 1p22.1.
Variant type: single nucleotide variant.
Coding change: c.5460+6C>T on transcript NM_000350.3 (MANE Select); 6 bases into the intron after coding-DNA position 5460, C replaced by T.
Molecular consequence: intron variant.
Genome position (GRCh38, 1-based): chr1:94,014,537, G>A on the plus strand (C>T on the coding strand, the complement: ABCA4 is on the minus strand). VCF-style: chr1-94014537-G-A. GRCh37 (hg19) VCF-style: chr1-94480093-G-A.
Identifiers: ClinVar variation 298227 (VCV000298227.11), dbSNP rs886046561, ClinGen allele CA10611702.
Genomic context (GRCh38, chr1:94,014,537, plus strand): 5'-TGCTCGACCAACACATACTCTACTATCCTACTAATCAAACAAAAAAGCCAAGAAAGTTAT[G>A]CTCACCCGGTTATTCTCAAATAATTCCAAGATGAAGGTAATAGCACTGCTGTTGATGCCG-3'